The following is an entry in ClinVar:

NM_003073.5(SMARCB1):c.925A>G (p.Thr309Ala)

Gene: SMARCB1 (SWI/SNF related BAF chromatin remodeling complex subunit B1; plus strand). Cytogenetic location: 22q11.23.
Variant type: single nucleotide variant.
Coding change: c.925A>G on transcript NM_003073.5 (MANE Select); coding-DNA position 925, A replaced by G.
Protein change: p.Thr309Ala; replaces threonine 309 with alanine.
Molecular consequence: missense variant.
Genome position (GRCh38, 1-based): chr22:23,825,354, A>G. VCF-style: chr22-23825354-A-G. GRCh37 (hg19) VCF-style: chr22-24167541-A-G.
Other names: c.898A>G, p.Thr300Ala (NM_001007468.3); c.952A>G, p.Thr318Ala (NM_001317946.2); c.979A>G, p.Thr327Ala (NM_001362877.2); short protein forms T300A, T309A, T318A, T327A.
Identifiers: ClinVar variation 3906058 (VCV003906058.10).

ClinVar aggregate classification (germline): Uncertain significance (1 of 4 stars; one submission).

Submission:

CeGaT Center for Human Genetics Tuebingen
Classification: Uncertain significance. Last evaluated: 2025-06-01. Review status: criteria provided, single submitter. Criteria: CeGaT Center For Human Genetics Tuebingen Variant Classification Criteria Version 2. Collection method: clinical testing. Allele origin: germline. Affected: yes. Observed: 1 variant allele.
Comment: SMARCB1: PM2, PP2